The following is an entry in ClinVar:

NM_024649.5(BBS1):c.1074T>C (p.Tyr358=)

Genes: BBS1 (Bardet-Biedl syndrome 1; plus strand), ZDHHC24 (zDHHC palmitoyltransferase 24; minus strand). Cytogenetic location: 11q13.2.
Variant type: single nucleotide variant.
Coding change: c.1074T>C on transcript NM_024649.5 (MANE Select); coding-DNA position 1074, T replaced by C.
Protein change: p.Tyr358=; no amino-acid change (tyrosine 358 retained).
Molecular consequence: synonymous variant. On other transcripts: intron variant (1).
Genome position (GRCh38, 1-based): chr11:66,523,846, T>C. VCF-style: chr11-66523846-T-C. GRCh37 (hg19) VCF-style: chr11-66291317-T-C.
Other names: c.*22-2380A>G (NM_001348571.2).
Identifiers: ClinVar variation 4977408 (VCV004977408.1).

ClinVar aggregate classification (germline): Likely benign (1 of 4 stars; one submission).

Conditions:
BBS1-related disorder. Also called: BBS1-related condition.

Submission:

PreventionGenetics, part of Exact Sciences
Classification: Likely benign for BBS1-related condition. Last evaluated: 2025-02-07. Review status: criteria provided, single submitter. Criteria: ACMG Guidelines, 2015. Collection method: clinical testing. Allele origin: germline.
Comment: This variant is classified as likely benign based on ACMG/AMP sequence variant interpretation guidelines (Richards et al. 2015 PMID: 25741868, with internal and published modifications).